The following is an entry in ClinVar:

NM_133497.4(KCNV2):c.931G>A (p.Gly311Ser)

Gene: KCNV2 (potassium voltage-gated channel modifier subfamily V member 2; plus strand). Cytogenetic location: 9p24.2.
Variant type: single nucleotide variant.
Coding change: c.931G>A on transcript NM_133497.4 (MANE Select); coding-DNA position 931, G replaced by A.
Protein change: p.Gly311Ser; replaces glycine 311 with serine.
Molecular consequence: missense variant.
Genome position (GRCh38, 1-based): chr9:2,718,670, G>A. VCF-style: chr9-2718670-G-A. GRCh37 (hg19) VCF-style: chr9-2718670-G-A.
Other names: short protein forms G311S.
Identifiers: ClinVar variation 866679 (VCV000866679.13), dbSNP rs202200956, ClinGen allele CA4965690.

ClinVar aggregate classification (germline): Uncertain significance. Review status: criteria provided, multiple submitters, no conflicts (2 of 4 stars). 4 submissions from 4 submitters: Uncertain significance (4). Last evaluated 2026-09-23.

Conditions:
KCNV2-related disorder. Also called: KCNV2-related condition.
Inborn genetic diseases. Identifiers: MedGen C0950123, MeSH D030342.

gnomAD v4.1: 13 of 1,613,260 alleles (0.00081%); highest among the groups gnomAD compares: South Asian, 0.0066%; no homozygotes.

Submissions (4):

PreventionGenetics, part of Exact Sciences
Classification: Uncertain significance for KCNV2-related condition. Last evaluated: 2026-09-23. Review status: criteria provided, single submitter. Criteria: ACMG Guidelines, 2015. Collection method: clinical testing. Allele origin: germline.
Comment: The KCNV2 c.931G>A variant is predicted to result in the amino acid substitution p.Gly311Ser. To our knowledge, this variant has not been reported in the literature. This variant is reported in 0.0098% of alleles in individuals of South Asian descent in gnomAD. At this time, the clinical significance of this variant is uncertain due to the absence of conclusive functional and genetic evidence.

Labcorp Genetics (formerly Invitae), Labcorp
Classification: Uncertain significance. Last evaluated: 2025-09-03. Review status: criteria provided, single submitter. Criteria: Invitae Variant Classification Sherloc (09022015). Collection method: clinical testing. Allele origin: germline.
Comment: This sequence change replaces glycine, which is neutral and non-polar, with serine, which is neutral and polar, at codon 311 of the KCNV2 protein (p.Gly311Ser). This variant is present in population databases (rs202200956, gnomAD 0.006%). This variant has not been reported in the literature in individuals affected with KCNV2-related conditions. ClinVar contains an entry for this variant (Variation ID: 866679). Invitae Evidence Modeling of protein sequence and biophysical properties (such as structural, functional, and spatial information, amino acid conservation, physicochemical variation, residue mobility, and thermodynamic stability) indicates that this missense variant is not expected to disrupt KCNV2 protein function with a negative predictive value of 95%. In summary, the available evidence is currently insufficient to determine the role of this variant in disease. Therefore, it has been classified as a Variant of Uncertain Significance.

Ambry Genetics
Classification: Uncertain significance for Inborn genetic diseases. Last evaluated: 2023-12-13. Review status: criteria provided, single submitter. Criteria: Ambry Variant Classification Scheme 2023. Collection method: clinical testing. Allele origin: germline.

Blueprint Genetics
Classification: Uncertain significance. Last evaluated: 2023-08-04. Review status: criteria provided, single submitter. Criteria: ACMG Guidelines, 2015. Collection method: clinical testing. Allele origin: germline.